The following is an entry in ClinVar:

NM_152594.3(SPRED1):c.580C>G (p.Gln194Glu)

Gene: SPRED1 (sprouty related EVH1 domain containing 1; plus strand). Cytogenetic location: 15q14.
Variant type: single nucleotide variant.
Coding change: c.580C>G on transcript NM_152594.3 (MANE Select); coding-DNA position 580, C replaced by G.
Protein change: p.Gln194Glu; replaces glutamine 194 with glutamic acid.
Molecular consequence: missense variant.
Genome position (GRCh38, 1-based): chr15:38,339,893, C>G. VCF-style: chr15-38339893-C-G. GRCh37 (hg19) VCF-style: chr15-38632094-C-G.
Other names: c.580C>G (NM_152594.2); short protein forms Q194E.
Identifiers: ClinVar variation 4708316 (VCV004708316.2).
Genomic context (GRCh38, chr15:38,339,893, plus strand): 5'-AGACCTTCTCCCTTTGAAGATCTGAATGCCAGAAGAGTCTACATGCAAAGCCAAGCCAAT[C>G]AGGTAAGAAGATAAAATATTTTTTCGGCGCGTTGTTTATATGTGTAGAAATTGAATGATG-3'
Protein context (NP_689807.1, residues 184-204): RRVYMQSQAN[Gln194Glu]ITFGQPGLDI

ClinVar aggregate classification (germline): Uncertain significance. Review status: criteria provided, multiple submitters, no conflicts (2 of 4 stars). 2 submissions from 2 submitters: Uncertain significance (2). Last evaluated 2026-04-11.

Conditions:
Legius syndrome. Identifiers: Orphanet 137605, MedGen C1969623, MONDO:0012669, OMIM 611431. Disease mechanism: loss of function.
Cardiovascular phenotype. Identifiers: MedGen CN230736.

Submissions (2):

Ambry Genetics
Classification: Uncertain significance for Cardiovascular phenotype. Last evaluated: 2026-04-11. Review status: criteria provided, single submitter. Criteria: Ambry Variant Classification Scheme 2023. Collection method: clinical testing. Allele origin: germline.
Comment: The p.Q194E variant (also known as c.580C>G), located in coding exon 5 of the SPRED1 gene, results from a C to G substitution at nucleotide position 580. The glutamine at codon 194 is replaced by glutamic acid, an amino acid with highly similar properties. This amino acid position is conserved. In addition, this alteration is predicted to be tolerated by in silico analysis. Based on the available evidence, the clinical significance of this variant remains unclear.

Labcorp Genetics (formerly Invitae), Labcorp
Classification: Uncertain significance for Legius syndrome. Last evaluated: 2025-10-29. Review status: criteria provided, single submitter. Criteria: Invitae Variant Classification Sherloc (09022015). Collection method: clinical testing. Allele origin: germline.
Comment: This sequence change replaces glutamine, which is neutral and polar, with glutamic acid, which is acidic and polar, at codon 194 of the SPRED1 protein (p.Gln194Glu). This variant is not present in population databases (gnomAD no frequency). This variant has not been reported in the literature in individuals affected with SPRED1-related conditions. An algorithm developed to predict the effect of missense changes on protein structure and function (PolyPhen-2) suggests that this variant is likely to be tolerated. In summary, the available evidence is currently insufficient to determine the role of this variant in disease. Therefore, it has been classified as a Variant of Uncertain Significance.